The following is an entry in ClinVar:

NM_007294.4(BRCA1):c.2490G>T (p.Lys830Asn)

Gene: BRCA1 (BRCA1 DNA repair associated; minus strand). Cytogenetic location: 17q21.31.
Variant type: single nucleotide variant.
Coding change: c.2490G>T on transcript NM_007294.4 (MANE Select); coding-DNA position 2490, G replaced by T.
Protein change: p.Lys830Asn; replaces lysine 830 with asparagine.
Molecular consequence: missense variant. On other transcripts: intron variant (137).
Genome position (GRCh38, 1-based): chr17:43,093,041, C>A on the plus strand (G>T on the coding strand, the complement: BRCA1 is on the minus strand). VCF-style: chr17-43093041-C-A. GRCh37 (hg19) VCF-style: chr17-41245058-C-A.
Other names: c.2277G>T, p.Lys759Asn (NM_001407571.1, NM_001407894.1, NM_001407895.1 and 9 more transcripts); c.2490G>T, p.Lys830Asn (NM_001407581.1, NM_001407582.1, NM_001407583.1 and 30 more transcripts); c.2487G>T, p.Lys829Asn (NM_001407587.1, NM_001407590.1, NM_001407591.1 and 22 more transcripts); c.2481G>T, p.Lys827Asn (NM_001407646.1, NM_001407647.1); c.2367G>T, p.Lys789Asn (NM_001407648.1, NM_001407664.1, NM_001407665.1 and 19 more transcripts); c.2364G>T, p.Lys788Asn (NM_001407649.1, NM_001407670.1, NM_001407671.1 and 11 more transcripts); c.2412G>T, p.Lys804Asn (NM_001407653.1, NM_001407654.1, NM_001407655.1 and 4 more transcripts); c.2409G>T, p.Lys803Asn (NM_001407659.1, NM_001407660.1, NM_001407661.1 and 1 more transcripts); and 41 more; short protein forms K783N, K830N, K534N, K742N, K763N, K804N, K759N, K760N.
Identifiers: ClinVar variation 1792069 (VCV001792069.6), dbSNP rs2154374660, ClinGen allele CA10597019.
Genomic context (GRCh38, chr17:43,093,041, plus strand): 5'-ACTTTCTTCCATTTCTATGCTTGTTTCCCGACTGTGGTTAACTTCATGTCCCAATGGATA[C>A]TTAAAGCCTTCTGTGTCATTTCTATTATCTTTGGAACAACCATGAATTAGTCCCTTGGGG-3'
Protein context (NP_009225.1, residues 820-840): KDNRNDTEGF[Lys830Asn]YPLGHEVNHS

ClinVar aggregate classification (germline): Conflicting classifications of pathogenicity. Review status: criteria provided, conflicting classifications (1 of 4 stars). 3 submissions from 3 submitters: Uncertain significance (2); Likely benign (1). Last evaluated 2024-06-09.

Conditions:
Hereditary cancer-predisposing syndrome. Also called: Hereditary Cancer Syndrome; Hereditary neoplastic syndrome; Tumor predisposition; Neoplastic Syndromes, Hereditary. Identifiers: Orphanet 140162, MedGen C0027672, MeSH D009386, MONDO:0015356.
BRCA1-related cancer predisposition. Identifiers: MedGen CN377757, MONDO:0700268.

Submissions (3):

All of Us Research Program, National Institutes of Health
Classification: Uncertain significance for BRCA1-related cancer predisposition. Last evaluated: 2024-06-09. Review status: criteria provided, single submitter. Criteria: ACMG Guidelines, 2015. Collection method: clinical testing. Allele origin: germline. Inheritance: Autosomal dominant inheritance. Observed: 1 variant allele, 1 heterozygote.
Comment: This missense variant replaces lysine with asparagine at codon 830 of the BRCA1 protein. Computational prediction suggests that this variant may not impact protein structure and function. To our knowledge, functional studies have not been reported for this variant. This variant has not been reported in individuals affected with BRCA1-related disorders in the literature. This variant has not been identified in the general population by the Genome Aggregation Database (gnomAD). The available evidence is insufficient to determine the role of this variant in disease conclusively. Therefore, this variant is classified as a Variant of Uncertain Significance.

This study involves interpretation of variants in research participants for the purpose of population health screening. Participant phenotype was not available at the time of variant classification. Additional details can be found in publication PMID: 35346344, PMCID: PMC8962531

University of Washington Department of Laboratory Medicine, University of Washington
Classification: Likely benign for Hereditary cancer-predisposing syndrome. Last evaluated: 2023-03-23. Review status: criteria provided, single submitter. Criteria: Dines et al. (Genet Med. 2020). Collection method: curation. Allele origin: germline.
Comment: Missense variant in a coldspot region where missense variants are very unlikely to be pathogenic (PMID:31911673).

BRCA1 coldspot (exon 11 using historical exon numbering). Reclassification based on statistical prior probability

Ambry Genetics
Classification: Uncertain significance for Hereditary cancer-predisposing syndrome. Last evaluated: 2022-10-31. Review status: criteria provided, single submitter. Criteria: Ambry Variant Classification Scheme 2023. Collection method: clinical testing. Allele origin: germline.
Comment: The p.K830N variant (also known as c.2490G>T), located in coding exon 9 of the BRCA1 gene, results from a G to T substitution at nucleotide position 2490. The lysine at codon 830 is replaced by asparagine, an amino acid with similar properties. This amino acid position is conserved. In addition, this alteration is predicted to be tolerated by in silico analysis. Since supporting evidence is limited at this time, the clinical significance of this alteration remains unclear.